The following is an entry in ClinVar:

NM_000057.4(BLM):c.3406G>C (p.Ala1136Pro)

Gene: BLM (BLM RecQ like helicase; plus strand). Cytogenetic location: 15q26.1.
Variant type: single nucleotide variant.
Coding change: c.3406G>C on transcript NM_000057.4 (MANE Select); coding-DNA position 3406, G replaced by C.
Protein change: p.Ala1136Pro; replaces alanine 1136 with proline.
Molecular consequence: missense variant. On other transcripts: intron variant (1).
Genome position (GRCh38, 1-based): chr15:90,803,568, G>C. VCF-style: chr15-90803568-G-C. GRCh37 (hg19) VCF-style: chr15-91346798-G-C.
Other names: c.3406G>C, p.Ala1136Pro (NM_001287246.2); c.2281G>C, p.Ala761Pro (NM_001287248.2); c.3358+5231G>C (NM_001287247.2); short protein forms A761P, A1136P.
Identifiers: ClinVar variation 3480825 (VCV003480825.2).
Genomic context (GRCh38, chr15:90,803,568, plus strand): 5'-ATCTTCTTATCAGGGAGTAAGAGTGCAAAAATCCAGTCAGGTATATTTGGAAAAGGATCT[G>C]CTTATTCACGACACAATGCCGAAAGACTTTTTAAAAAGCTGATACTTGACAAGATTTTGG-3'
Protein context (NP_000048.1, residues 1126-1146): IQSGIFGKGS[Ala1136Pro]YSRHNAERLF

ClinVar aggregate classification (germline): Uncertain significance. Review status: criteria provided, multiple submitters, no conflicts (2 of 4 stars). 2 submissions from 2 submitters: Uncertain significance (2). Last evaluated 2026-02-13.

Conditions:
Hereditary cancer-predisposing syndrome. Also called: Neoplastic Syndromes, Hereditary; Tumor predisposition; Hereditary Cancer Syndrome; Hereditary neoplastic syndrome. Identifiers: Orphanet 140162, MedGen C0027672, MeSH D009386, MONDO:0015356.
Bloom syndrome (BLM). Also called: Bloom-Torre-Machacek syndrome. Identifiers: Orphanet 125, MedGen C0005859, MONDO:0008876, OMIM 210900.

Submissions (2):

Helix
Classification: Uncertain significance for Bloom syndrome. Last evaluated: 2026-02-13. Review status: criteria provided, single submitter. Criteria: ACMG Guidelines, 2015. Collection method: clinical testing. Allele origin: germline. Inheritance: Autosomal recessive inheritance.
Comment: This variant (NM_000057.4:c.3406G>C p.Ala1136Pro) results in the substitution of alanine with proline at codon 1136 in the BLM protein. It is a rare variant that is absent from the large gnomAD population database (v4.1). To our knowledge, this variant has not been reported in individuals with BLM-related conditions in the published literature. In silico prediction from REVEL (PMID: 27666373) suggests that this variant may be benign. This variant is present in ClinVar (Accession: VCV003480825.1). In conclusion, since the available evidence is limited, the clinical significance of this variant is unclear at this time. Therefore, it is classified as a Variant of Uncertain Significance.

Ambry Genetics
Classification: Uncertain significance for Hereditary cancer-predisposing syndrome. Last evaluated: 2024-08-11. Review status: criteria provided, single submitter. Criteria: Ambry Variant Classification Scheme 2023. Collection method: clinical testing. Allele origin: germline.
Comment: The p.A1136P variant (also known as c.3406G>C), located in coding exon 17 of the BLM gene, results from a G to C substitution at nucleotide position 3406. The alanine at codon 1136 is replaced by proline, an amino acid with highly similar properties. This amino acid position is conserved. In addition, this alteration is predicted to be tolerated by in silico analysis. Based on the available evidence, the clinical significance of this variant remains unclear.